The following is an entry in ClinVar:

NM_022124.6(CDH23):c.4746C>T (p.Ser1582=)

Gene: CDH23 (cadherin related 23; plus strand). Cytogenetic location: 10q22.1.
Variant type: single nucleotide variant.
Coding change: c.4746C>T on transcript NM_022124.6 (MANE Select); coding-DNA position 4746, C replaced by T.
Protein change: p.Ser1582=; no amino-acid change (serine 1582 retained).
Molecular consequence: synonymous variant.
Genome position (GRCh38, 1-based): chr10:71,741,822, C>T. VCF-style: chr10-71741822-C-T. GRCh37 (hg19) VCF-style: chr10-73501579-C-T.
Identifiers: ClinVar variation 989836 (VCV000989836.14), dbSNP rs370132610, ClinGen allele CA209426541.
Genomic context (GRCh38, chr10:71,741,822, plus strand): 5'-TCTGTCCTACTACATCACCGAGGGCAACAAGGACATGGCCTTCCGCATGGACCGCATCAG[C>T]GGTGAGATCGCCACACGGCCTGCCCCGCCTGACCGCGAGCGCCAGAGCTTCTACCACCTG-3'
Protein context (NP_071407.4, residues 1572-1592): KDMAFRMDRI[Ser1582=]GEIATRPAPP

ClinVar aggregate classification (germline): Likely benign. Review status: criteria provided, multiple submitters, no conflicts (2 of 4 stars). 4 submissions from 4 submitters: Likely benign (3). 1 of the submissions does not count toward it. Last evaluated 2026-01-24.

Conditions:
Usher syndrome type 1 (USH1). Also called: RETINITIS PIGMENTOSA AND CONGENITAL DEAFNESS. Identifiers: Orphanet 231169, Orphanet 886, MedGen C1568247, MONDO:0010168, OMIM 276900.

Allele frequency attached by ClinVar (database versions not stated): gnomAD 0.00001; gnomAD exomes 0.00001; TOPMed 0.00004; ESP Exome Variant Server 0.00008.
gnomAD v4.1: 38 of 1,611,666 alleles (0.0024%); highest among the groups gnomAD compares: African/African-American, 0.0027%; no homozygotes.

Submissions (4):

Labcorp Genetics (formerly Invitae), Labcorp
Classification: Likely benign. Last evaluated: 2026-01-24. Review status: criteria provided, single submitter. Criteria: Invitae Variant Classification Sherloc (09022015). Collection method: clinical testing. Allele origin: germline.

Blueprint Genetics
Classification: Likely benign. Last evaluated: 2022-05-17. Review status: criteria provided, single submitter. Criteria: ACMG Guidelines, 2015. Collection method: clinical testing. Allele origin: germline.

Laboratory for Molecular Medicine, Mass General Brigham Personalized Medicine
Classification: Likely benign. Last evaluated: 2012-04-30. Review status: criteria provided, single submitter. Criteria: LMM Criteria. Collection method: clinical testing. Allele origin: germline. Observed: 1 variant allele.
Comment: Ser1582Ser in Exon 38 of CDH23: This variant is not expected to have clinical significance because it does not alter an amino acid residue, is not located within the splice consensus sequence, and has been identified in 1/3722 African American chromosomes from a broad population by the NHLBI Exome Sequencing Project.

Natera, Inc.
Classification: Uncertain significance for Usher syndrome type 1. Last evaluated: 2020-04-15. Review status: no assertion criteria provided. Collection method: clinical testing. Allele origin: germline. Not counted in ClinVar's aggregate classification.